The following is an entry in ClinVar:

ClinVar aggregate classification (germline): Likely benign. Review status: criteria provided, multiple submitters, no conflicts (2 of 4 stars). 2 submissions from 2 submitters: Likely benign (2). Last evaluated 2026-01-06.

Conditions:
Eichsfeld type congenital muscular dystrophy (CMYO3). Also called: Rigid spine muscular dystrophy 1; MYOPATHY, SEPN1-RELATED; SELENON-related myopathy; Congenital myopathy 3 with rigid spine. Identifiers: MedGen C0410180, MONDO:0100100, OMIM 602771.

Allele frequency attached by ClinVar (database versions not stated): gnomAD exomes below 0.00001.

Submissions (2):

Labcorp Genetics (formerly Invitae), Labcorp
Classification: Likely benign for Eichsfeld type congenital muscular dystrophy. Last evaluated: 2026-01-06. Review status: criteria provided, single submitter. Criteria: Invitae Variant Classification Sherloc (09022015). Collection method: clinical testing. Allele origin: germline.

GeneDx
Classification: Likely benign. Last evaluated: 2017-01-31. Review status: criteria provided, single submitter. Criteria: GeneDx Variant Classification (06012015). Collection method: clinical testing. Allele origin: germline. Affected: yes.
Comment: This variant is considered likely benign or benign based on one or more of the following criteria: it is a conservative change, it occurs at a poorly conserved position in the protein, it is predicted to be benign by multiple in silico algorithms, and/or has population frequency not consistent with disease.

NM_206926.2(SELENON):c.1533C>T (p.Asp511=)

Gene: SELENON (selenoprotein N; plus strand). Cytogenetic location: 1p36.11.
Variant type: single nucleotide variant.
Coding change: c.1533C>T on transcript NM_206926.2 (MANE Select); coding-DNA position 1533, C replaced by T.
Protein change: p.Asp511=; no amino-acid change (aspartic acid 511 retained).
Molecular consequence: synonymous variant.
Genome position (GRCh38, 1-based): chr1:25,815,580, C>T. VCF-style: chr1-25815580-C-T. GRCh37 (hg19) VCF-style: chr1-26142071-C-T.
Other names: c.1635C>T, p.Asp545= (NM_020451.3).
Identifiers: ClinVar variation 507075 (VCV000507075.2), dbSNP rs1398526314, ClinGen allele CA416759635.
Genomic context (GRCh38, chr1:25,815,580, plus strand): 5'-CACTTGCCTCACCCGGCCCTTCTCCCAGGTCCATCACATCAATGCCAACTACTTCTTGGA[C>T]ATCACCTCCGTGAAGCCCGAGGAAATCGAGAGCAATCTCTTCAGCTTCTCATCCACCTTT-3'
Protein context (NP_996809.1, residues 501-521): VHHINANYFL[Asp511=]ITSVKPEEIE